The following is an entry in ClinVar:

ClinVar aggregate classification (germline): Uncertain significance. Review status: criteria provided, multiple submitters, no conflicts (2 of 4 stars). 4 submissions from 4 submitters: Uncertain significance (4). Last evaluated 2024-07-29.

Conditions:
Long QT syndrome (LQTS). Identifiers: MedGen C0023976, MeSH D008133, MONDO:0002442. Disease mechanism: loss of function. Inheritance: Various modes of inheritance.
Cardiac arrhythmia. Also called: Cardiac rhythm disease; Arrhythmia. Identifiers: MedGen C0003811, MONDO:0007263, HP:0011675.

gnomAD v4.1: 2 of 1,614,236 alleles (0.00012%); highest among the groups gnomAD compares: Non-Finnish European, 0.00017%; no homozygotes.

Submissions (4):

All of Us Research Program, National Institutes of Health
Classification: Uncertain significance for Long QT syndrome. Last evaluated: 2024-07-29. Review status: criteria provided, single submitter. Criteria: ACMG Guidelines, 2015. Collection method: clinical testing. Allele origin: germline. Inheritance: Autosomal dominant inheritance. Observed: 2 variant alleles, 2 heterozygotes.
Comment: This missense variant replaces phenylalanine with leucine at codon 479 of the KCNQ1 protein. Computational prediction tools and conservation analyses are inconclusive regarding the impact of this variant on the protein function. Computational splicing tools suggest that this variant may not impact RNA splicing. To our knowledge, functional assays have not been performed for this variant nor has this variant been reported in individuals affected with cardiovascular disorders in the literature. This variant has not been identified in the general population by the Genome Aggregation Database (gnomAD). Available evidence is insufficient to determine the role of this variant in disease conclusively. Therefore, this variant is classified as a Variant of Uncertain Significance.

This study involves interpretation of variants in research participants for the purpose of population health screening. Participant phenotype was not available at the time of variant classification. Additional details can be found in publication PMID: 35346344, PMCID: PMC8962531

Color Diagnostics, LLC DBA Color Health
Classification: Uncertain significance for Cardiac arrhythmia. Last evaluated: 2024-07-18. Review status: criteria provided, single submitter. Criteria: ACMG Guidelines, 2015. Collection method: clinical testing. Allele origin: germline.
Comment: This missense variant replaces phenylalanine with leucine at codon 479 of the KCNQ1 protein. Computational prediction is inconclusive regarding the impact of this variant on protein structure and function. To our knowledge, functional studies have not been reported for this variant. This variant has not been reported in individuals affected with KCNQ1-related disorders in the literature. This variant has not been identified in the general population by the Genome Aggregation Database (gnomAD). The available evidence is insufficient to determine the role of this variant in disease conclusively. Therefore, this variant is classified as a Variant of Uncertain Significance.

Revvity Omics, Revvity
Classification: Uncertain significance. Last evaluated: 2023-06-22. Review status: criteria provided, single submitter. Criteria: ACMG Guidelines, 2015. Collection method: clinical testing. Allele origin: germline.

Labcorp Genetics (formerly Invitae), Labcorp
Classification: Uncertain significance for Long QT syndrome. Last evaluated: 2022-02-24. Review status: criteria provided, single submitter. Criteria: Invitae Variant Classification Sherloc (09022015). Collection method: clinical testing. Allele origin: germline.
Comment: This sequence change replaces phenylalanine, which is neutral and non-polar, with leucine, which is neutral and non-polar, at codon 479 of the KCNQ1 protein (p.Phe479Leu). This variant is not present in population databases (gnomAD no frequency). This variant has not been reported in the literature in individuals affected with KCNQ1-related conditions. ClinVar contains an entry for this variant (Variation ID: 924594). Algorithms developed to predict the effect of missense changes on protein structure and function (SIFT, PolyPhen-2, Align-GVGD) all suggest that this variant is likely to be tolerated. In summary, the available evidence is currently insufficient to determine the role of this variant in disease. Therefore, it has been classified as a Variant of Uncertain Significance.

NM_000218.3(KCNQ1):c.1437C>A (p.Phe479Leu)

Genes: KCNQ1 (potassium voltage-gated channel subfamily Q member 1; plus strand), KCNQ1OT1 (KCNQ1 opposite strand/antisense transcript 1; minus strand). Cytogenetic location: 11p15.5.
Variant type: single nucleotide variant.
Coding change: c.1437C>A on transcript NM_000218.3 (MANE Select); coding-DNA position 1437, C replaced by A.
Protein change: p.Phe479Leu; replaces phenylalanine 479 with leucine.
Molecular consequence: missense variant.
Genome position (GRCh38, 1-based): chr11:2,662,004, C>A. VCF-style: chr11-2662004-C-A. GRCh37 (hg19) VCF-style: chr11-2683234-C-A.
Other names: c.1341C>A, p.Phe447Leu (NM_001406836.1); c.1167C>A, p.Phe389Leu (NM_001406837.1); c.897C>A, p.Phe299Leu (NM_001406838.1); c.1056C>A, p.Phe352Leu (NM_181798.2); short protein forms F352L, F479L, F299L, F447L, F389L.
Identifiers: ClinVar variation 924594 (VCV000924594.13), dbSNP rs1849965957, ClinGen allele CA379479520.